The following is an entry in ClinVar:

NM_206933.4(USH2A):c.14761G>A (p.Glu4921Lys)

Gene: USH2A (usherin; minus strand). Cytogenetic location: 1q41.
Variant type: single nucleotide variant.
Coding change: c.14761G>A on transcript NM_206933.4 (MANE Select); coding-DNA position 14761, G replaced by A.
Protein change: p.Glu4921Lys; replaces glutamic acid 4921 with lysine.
Molecular consequence: missense variant.
Genome position (GRCh38, 1-based): chr1:215,647,552, C>T on the plus strand (G>A on the coding strand, the complement: USH2A is on the minus strand). VCF-style: chr1-215647552-C-T. GRCh37 (hg19) VCF-style: chr1-215820894-C-T.
Other names: c.14761G>A (NM_206933.2); short protein forms E4921K.
Identifiers: ClinVar variation 1038324 (VCV001038324.5), dbSNP rs754834155, ClinGen allele CA1392936.
Genomic context (GRCh38, chr1:215,647,552, plus strand): 5'-TGGCTTATGGTAGCAGCCACTTATACTCACATTCTTTTTGGGTGGTGAAACTGATCCACT[C>T]GGAAGCCGTACTGCCCACCTCGTTGTGTGCCACCACTCTCAGCTTGTATGTGGTGTAGGG-3'
Protein context (NP_996816.3, residues 4911-4931): AHNEVGSTAS[Glu4921Lys]WISFTTQKEL

ClinVar aggregate classification (germline): Uncertain significance. Review status: criteria provided, multiple submitters, no conflicts (2 of 4 stars). 4 submissions from 4 submitters: Uncertain significance (3). 1 of the submissions does not count toward it. Last evaluated 2025-10-06.

Conditions:
Usher syndrome type 2A. Also called: USHER SYNDROME, TYPE IIA; RETINAL DISEASE IN USHER SYNDROME TYPE IIA, MODIFIER OF. Identifiers: Orphanet 231178, Orphanet 886, MedGen C1848634, MONDO:0010169, OMIM 276901.
USH2A-related disorder. Also called: USH2A-related condition; USH2A-related disorders. Identifiers: MedGen CN239332.

Allele frequency attached by ClinVar (database versions not stated): gnomAD exomes 0.00001 and 0.00002; TOPMed 0.00002; ExAC 0.00004; gnomAD 0.00004.
gnomAD v4.1: 23 of 1,614,004 alleles (0.0014%); highest among the groups gnomAD compares: East Asian, 0.0067%; no homozygotes.

Submissions (4):

PreventionGenetics, part of Exact Sciences
Classification: Uncertain significance for USH2A-related condition. Last evaluated: 2025-10-06. Review status: criteria provided, single submitter. Criteria: ACMG Guidelines, 2015. Collection method: clinical testing. Allele origin: germline.
Comment: The USH2A c.14761G>A variant is predicted to result in the amino acid substitution p.Glu4921Lys. This variant was reported in an individual with Usher syndrome, however information about presence or absence of second variant was not provided (Garcia-Garcia et al. 2011. PubMed ID: 22004887). This variant is reported in 0.010% of alleles in individuals of East Asian descent in gnomAD. At this time, the clinical significance of this variant is uncertain due to the absence of conclusive functional and genetic evidence.

Blueprint Genetics
Classification: Uncertain significance. Last evaluated: 2022-11-25. Review status: criteria provided, single submitter. Criteria: ACMG Guidelines, 2015. Collection method: clinical testing. Allele origin: germline.

Labcorp Genetics (formerly Invitae), Labcorp
Classification: Uncertain significance. Last evaluated: 2022-07-05. Review status: criteria provided, single submitter. Criteria: Invitae Variant Classification Sherloc (09022015). Collection method: clinical testing. Allele origin: germline.
Comment: This sequence change replaces glutamic acid, which is acidic and polar, with lysine, which is basic and polar, at codon 4921 of the USH2A protein (p.Glu4921Lys). This variant is present in population databases (rs754834155, gnomAD 0.005%). This missense change has been observed in individual(s) with Usher syndrome (PMID: 22004887). ClinVar contains an entry for this variant (Variation ID: 1038324). Algorithms developed to predict the effect of missense changes on protein structure and function output the following: SIFT: "Tolerated"; PolyPhen-2: "Benign"; Align-GVGD: "Class C0". The lysine amino acid residue is found in multiple mammalian species, which suggests that this missense change does not adversely affect protein function. In summary, the available evidence is currently insufficient to determine the role of this variant in disease. Therefore, it has been classified as a Variant of Uncertain Significance.

Natera, Inc.
Classification: Uncertain significance for Usher syndrome type 2A. Last evaluated: 2020-03-05. Review status: no assertion criteria provided. Collection method: clinical testing. Allele origin: germline. Not counted in ClinVar's aggregate classification.

Literature cited by the submitters: PubMed 22004887 (cited by Labcorp Genetics (formerly Invitae), Labcorp).